The following is an entry in ClinVar:

ClinVar aggregate classification (germline): Likely pathogenic (1 of 4 stars; one submission).

Conditions:
Coffin-Siris syndrome 1 (CSS1). Also called: ARID1B-Related Coffin-Siris Syndrome; Mental retardation, autosomal dominant 12. Identifiers: Orphanet 1465, MedGen C3281201, MONDO:0007617, OMIM 135900. Disease mechanism: gain of function.

Submission:

Dubai Health Genomic Medicine Center, Dubai Health
Classification: Likely pathogenic for Coffin-Siris syndrome 1. Last evaluated: 2024-10-04. Review status: criteria provided, single submitter. Criteria: ACMG Guidelines, 2015. Collection method: research. Allele origin: germline. Affected: yes.
Comment: PVS1,PM2,PP1

NM_001374828.1(ARID1B):c.4726C>T (p.Gln1576Ter)

Gene: ARID1B (AT-rich interaction domain 1B; plus strand). Cytogenetic location: 6q25.3.
Variant type: single nucleotide variant.
Coding change: c.4726C>T on transcript NM_001374828.1 (MANE Select); coding-DNA position 4726, C replaced by T.
Protein change: p.Gln1576Ter; replaces glutamine 1576 with a stop codon.
Molecular consequence: nonsense.
Genome position (GRCh38, 1-based): chr6:157,200,951, C>T. VCF-style: chr6-157200951-C-T. GRCh37 (hg19) VCF-style: chr6-157522085-C-T.
Other names: c.2227C>T, p.Gln743Ter (NM_001363725.2); c.4606C>T, p.Gln1536Ter (NM_001371656.1, NM_001374820.1); c.4567C>T, p.Gln1523Ter (NM_017519.3); short protein forms Q1523*, Q1536*, Q1576*, Q743*.
Identifiers: ClinVar variation 3384099 (VCV003384099.1).